The following is an entry in ClinVar:

ClinVar aggregate classification (germline): Uncertain significance. Review status: criteria provided, multiple submitters, no conflicts (2 of 4 stars). 2 submissions from 2 submitters: Uncertain significance (2). Last evaluated 2022-09-27.

Conditions:
Fanconi anemia (FA). Also called: Fanconi's anemia. Identifiers: Orphanet 84, MedGen C0015625, MeSH D005199, MONDO:0019391.

Allele frequency attached by ClinVar (database versions not stated): gnomAD 0.00002; gnomAD exomes 0.00002 and 0.00003; TOPMed 0.00002; ExAC 0.00003.
gnomAD v4.1: 43 of 1,614,046 alleles (0.0027%); highest among the groups gnomAD compares: Non-Finnish European, 0.0032%; no homozygotes.

Submissions (2):

Labcorp Genetics (formerly Invitae), Labcorp
Classification: Uncertain significance for Fanconi anemia. Last evaluated: 2022-09-27. Review status: criteria provided, single submitter. Criteria: Invitae Variant Classification Sherloc (09022015). Collection method: clinical testing. Allele origin: germline.
Comment: This sequence change replaces aspartic acid, which is acidic and polar, with valine, which is neutral and non-polar, at codon 1063 of the FANCI protein (p.Asp1063Val). This variant is present in population databases (rs142756279, gnomAD 0.007%). This missense change has been observed in individual(s) with head and neck squamous cell carcinoma (HNSCC) (PMID: 28678401). ClinVar contains an entry for this variant (Variation ID: 1058382). Algorithms developed to predict the effect of missense changes on protein structure and function are either unavailable or do not agree on the potential impact of this missense change (SIFT: "Deleterious"; PolyPhen-2: "Possibly Damaging"; Align-GVGD: "Class C15"). In summary, the available evidence is currently insufficient to determine the role of this variant in disease. Therefore, it has been classified as a Variant of Uncertain Significance.

Women's Health and Genetics/Laboratory Corporation of America, LabCorp
Classification: Uncertain significance. Last evaluated: 2022-05-27. Review status: criteria provided, single submitter. Criteria: LabCorp Variant Classification Summary - May 2015. Collection method: clinical testing. Allele origin: germline.
Comment: Variant summary: FANCI c.3188A>T (p.Asp1063Val) results in a non-conservative amino acid change located in the FANCI solenoid 4 domain (IPR029314) of the encoded protein sequence. Five of five in-silico tools predict a damaging effect of the variant on protein function. 4/4 computational tools predict no significant impact on normal splicing, however, these predictions have yet to be confirmed by functional studies. The variant allele was found at a frequency of 3.2e-05 in 251462 control chromosomes (gnomAD). The available data on variant occurrences in the general population are insufficient to allow any conclusion about variant significance. c.3188A>T has been reported in the literature in individuals with head and neck squamous cell carcinoma (Chandrasekharappa_2017) and in families with hereditary breast cancer (Girard_2019). These reports do not provide unequivocal conclusions about association of the variant with Fanconi Anemia. To our knowledge, no experimental evidence demonstrating an impact on protein function has been reported. One ClinVar submitter has assessed the variant since 2014: the variant was classified as of uncertain significance. Based on the evidence outlined above, the variant was classified as uncertain significance.

Literature cited by the submitters: PubMed 28678401 (cited by Labcorp Genetics (formerly Invitae), Labcorp and Women's Health and Genetics/Laboratory Corporation of America, LabCorp); PubMed 30303537 (cited by Women's Health and Genetics/Laboratory Corporation of America, LabCorp).

NM_001113378.2(FANCI):c.3188A>T (p.Asp1063Val)

Gene: FANCI (FA complementation group I; plus strand). Cytogenetic location: 15q26.1.
Variant type: single nucleotide variant.
Coding change: c.3188A>T on transcript NM_001113378.2 (MANE Select); coding-DNA position 3188, A replaced by T.
Protein change: p.Asp1063Val; replaces aspartic acid 1063 with valine.
Molecular consequence: missense variant.
Genome position (GRCh38, 1-based): chr15:89,305,342, A>T. VCF-style: chr15-89305342-A-T. GRCh37 (hg19) VCF-style: chr15-89848573-A-T.
Other names: c.2909A>T, p.Asp970Val (NM_001376910.1); c.3188A>T, p.Asp1063Val (NM_001376911.1); c.3008A>T, p.Asp1003Val (NM_018193.3); short protein forms D1003V, D1063V, D970V.
Identifiers: ClinVar variation 1058382 (VCV001058382.5), dbSNP rs142756279, ClinGen allele CA7723635.